The following is an entry in ClinVar:

ClinVar aggregate classification (germline): Uncertain significance (0 of 4 stars; one submission).

Conditions:
PCNT-related disorder. Also called: PCNT-related condition.

gnomAD v4.1: 22 of 1,613,498 alleles (0.0014%); highest among the groups gnomAD compares: East Asian, 0.0089%; no homozygotes.

Submission:

PreventionGenetics, part of Exact Sciences
Classification: Uncertain significance for PCNT-related condition. Last evaluated: 2024-04-10. Review status: no assertion criteria provided. Collection method: clinical testing. Allele origin: germline.
Comment: The PCNT c.2758G>A variant is predicted to result in the amino acid substitution p.Glu920Lys. To our knowledge, this variant has not been reported in the literature. This variant is reported in 0.0065% of alleles in individuals of South Asian descent in gnomAD. At this time, the clinical significance of this variant is uncertain due to the absence of conclusive functional and genetic evidence.

NM_006031.6(PCNT):c.2758G>A (p.Glu920Lys)

Gene: PCNT (pericentrin; plus strand). Cytogenetic location: 21q22.3.
Variant type: single nucleotide variant.
Coding change: c.2758G>A on transcript NM_006031.6 (MANE Select); coding-DNA position 2758, G replaced by A.
Protein change: p.Glu920Lys; replaces glutamic acid 920 with lysine.
Molecular consequence: missense variant.
Genome position (GRCh38, 1-based): chr21:46,366,732, G>A. VCF-style: chr21-46366732-G-A. GRCh37 (hg19) VCF-style: chr21-47786647-G-A.
Other names: c.2404G>A, p.Glu802Lys (NM_001315529.2); short protein forms E802K, E920K.
Identifiers: ClinVar variation 3347014 (VCV003347014.1).